The following is an entry in ClinVar:

ClinVar aggregate classification (germline): Uncertain significance (1 of 4 stars; one submission).

Conditions:
Developmental and epileptic encephalopathy, 1 (DEE1). Also called: X-linked infantile spasms; West's syndrome; Tonic spasms with clustering, arrest of psychomotor development and hypsarrhythmia on EEG; X-Linked Infantile Spasm Syndrome; OHTAHARA SYNDROME, X-LINKED; Epileptic encephalopathy, early infantile, 1. Identifiers: MedGen C3463992, MONDO:0010632, OMIM 308350. Disease mechanism: loss of function.
Autosomal dominant nonsyndromic hearing loss 65. Also called: Deafness, autosomal dominant 65; TBC1D24-Related Autosomal Dominant Nonsyndromic Hearing Loss (DFNA). Identifiers: Orphanet 90635, MedGen C3892048, MONDO:0014470, OMIM 616044.

Allele frequency attached by ClinVar (database versions not stated): gnomAD 0.00001.

Submission:

Labcorp Genetics (formerly Invitae), Labcorp
Classification: Uncertain significance for Developmental and epileptic encephalopathy, 1; Autosomal dominant nonsyndromic hearing loss 65. Last evaluated: 2024-03-13. Review status: criteria provided, single submitter. Criteria: Invitae Variant Classification Sherloc (09022015). Collection method: clinical testing. Allele origin: germline.
Comment: This sequence change replaces glutamic acid, which is acidic and polar, with lysine, which is basic and polar, at codon 26 of the TBC1D24 protein (p.Glu26Lys). This variant is present in population databases (no rsID available, gnomAD 0.0009%). This variant has not been reported in the literature in individuals affected with TBC1D24-related conditions. ClinVar contains an entry for this variant (Variation ID: 1045539). Advanced modeling of protein sequence and biophysical properties (such as structural, functional, and spatial information, amino acid conservation, physicochemical variation, residue mobility, and thermodynamic stability) performed at Invitae indicates that this missense variant is not expected to disrupt TBC1D24 protein function with a negative predictive value of 80%. In summary, the available evidence is currently insufficient to determine the role of this variant in disease. Therefore, it has been classified as a Variant of Uncertain Significance.

NM_001199107.2(TBC1D24):c.76G>A (p.Glu26Lys)

Gene: TBC1D24 (TBC1 domain family member 24; plus strand). Cytogenetic location: 16p13.3.
Variant type: single nucleotide variant.
Coding change: c.76G>A on transcript NM_001199107.2 (MANE Select); coding-DNA position 76, G replaced by A.
Protein change: p.Glu26Lys; replaces glutamic acid 26 with lysine.
Molecular consequence: missense variant.
Genome position (GRCh38, 1-based): chr16:2,496,224, G>A. VCF-style: chr16-2496224-G-A. GRCh37 (hg19) VCF-style: chr16-2546225-G-A.
Other names: c.76G>A, p.Glu26Lys (NM_020705.3); short protein forms E26K.
Identifiers: ClinVar variation 1045539 (VCV001045539.9), dbSNP rs369120050, ClinGen allele CA394374407.